The following is an entry in ClinVar:

ClinVar aggregate classification (germline): Uncertain significance (1 of 4 stars; one submission).

Allele frequency attached by ClinVar (database versions not stated): gnomAD exomes below 0.00001; TOPMed below 0.00001; gnomAD 0.00001.
gnomAD v4.1: 8 of 1,554,288 alleles (0.00051%); highest among the groups gnomAD compares: Non-Finnish European, 0.00061%; no homozygotes.

Submission:

Labcorp Genetics (formerly Invitae), Labcorp
Classification: Uncertain significance. Last evaluated: 2023-05-16. Review status: criteria provided, single submitter. Criteria: Invitae Variant Classification Sherloc (09022015). Collection method: clinical testing. Allele origin: germline.
Comment: In summary, the available evidence is currently insufficient to determine the role of this variant in disease. Therefore, it has been classified as a Variant of Uncertain Significance. Variants that disrupt the consensus splice site are a relatively common cause of aberrant splicing (PMID: 17576681, 9536098). Algorithms developed to predict the effect of sequence changes on RNA splicing suggest that this variant is not likely to affect RNA splicing. This variant has not been reported in the literature in individuals affected with COL11A2-related conditions. This variant is not present in population databases (gnomAD no frequency). This sequence change falls in intron 1 of the COL11A2 gene. It does not directly change the encoded amino acid sequence of the COL11A2 protein. It affects a nucleotide within the consensus splice site.

Literature cited by the submitters: PubMed 17576681; PubMed 9536098.

NM_080680.3(COL11A2):c.82+6A>G

Gene: COL11A2 (collagen type XI alpha 2 chain; minus strand). Cytogenetic location: 6p21.32.
Variant type: single nucleotide variant.
Coding change: c.82+6A>G on transcript NM_080680.3 (MANE Select); 6 bases into the intron after coding-DNA position 82, A replaced by G.
Molecular consequence: intron variant.
Genome position (GRCh38, 1-based): chr6:33,192,153, T>C on the plus strand (A>G on the coding strand, the complement: COL11A2 is on the minus strand). VCF-style: chr6-33192153-T-C. GRCh37 (hg19) VCF-style: chr6-33159930-T-C.
Other names: c.82+6A>G (NM_001163771.2, NM_080679.3, NM_080681.3 and 1 more transcripts); c.-765+872A>G (NM_001424111.1).
Identifiers: ClinVar variation 2968048 (VCV002968048.3), dbSNP rs1222321234, ClinGen allele CA566410336.